The following is an entry in ClinVar:

ClinVar aggregate classification (germline): Benign/Likely benign. Review status: criteria provided, multiple submitters, no conflicts (2 of 4 stars). 6 submissions from 6 submitters: Benign (1); Likely benign (5). Last evaluated 2026-01-21.

Conditions:
Porphobilinogen synthase deficiency. Also called: Porphyria due to ALA dehydratase deficiency; ALAD DEFICIENCY; DELTA-AMINOLEVULINATE DEHYDRATASE DEFICIENCY; DOSS PORPHYRIA; PORPHYRIA, ALAD. Identifiers: Orphanet 100924, MedGen C0268328, MONDO:0013000, OMIM 612740.

Allele frequency attached by ClinVar (database versions not stated): 1000 Genomes Project 30x 0.00125; 1000 Genomes Project 0.00140; gnomAD 0.00341 and 0.00348; TOPMed 0.00342; ExAC 0.00373; gnomAD exomes 0.00392; ESP Exome Variant Server 0.00408.

Submissions (6):

Labcorp Genetics (formerly Invitae), Labcorp
Classification: Benign. Last evaluated: 2026-01-21. Review status: criteria provided, single submitter. Criteria: Invitae Variant Classification Sherloc (09022015). Collection method: clinical testing. Allele origin: germline.

Blueprint Genetics
Classification: Likely benign. Last evaluated: 2024-11-27. Review status: criteria provided, single submitter. Criteria: ACMG Guidelines, 2015. Collection method: clinical testing. Allele origin: germline.

Mayo Clinic Laboratories, Mayo Clinic
Classification: Likely benign. Last evaluated: 2023-08-15. Review status: criteria provided, single submitter. Criteria: ACMG Guidelines, 2015. Collection method: clinical testing. Allele origin: germline. Observed: 6 variant alleles.
Comment: BP4, BP7

CeGaT Center for Human Genetics Tuebingen
Classification: Likely benign. Last evaluated: 2023-04-01. Review status: criteria provided, single submitter. Criteria: CeGaT Center For Human Genetics Tuebingen Variant Classification Criteria Version 2. Collection method: clinical testing. Allele origin: germline. Affected: yes. Observed: 2 variant alleles.
Comment: ALAD: BP4, BP7

Illumina Laboratory Services, Illumina
Classification: Likely benign for Porphobilinogen synthase deficiency. Last evaluated: 2018-01-12. Review status: criteria provided, single submitter. Criteria: ICSL Variant Classification Criteria 13 December 2019. Collection method: clinical testing. Allele origin: germline.
Comment: This variant was observed in the ICSL laboratory as part of a predisposition screen in an ostensibly healthy population. It had not been previously curated by ICSL or reported in the Human Gene Mutation Database (HGMD: prior to June 1st, 2018), and was therefore a candidate for classification through an automated scoring system. Utilizing variant allele frequency, disease prevalence and penetrance estimates, and inheritance mode, an automated score was calculated to assess if this variant is too frequent to cause the disease. Based on the score and internal cut-off values, a variant classified as likely benign is not then subjected to further curation. The score for this variant resulted in a classification of likely benign for this disease.

Breakthrough Genomics
Classification: Likely benign. Review status: criteria provided, single submitter. Criteria: ACMG Guidelines, 2015. Collection method: not provided. Allele origin: germline. Inheritance: Autosomal recessive inheritance. Affected: yes.

NM_000031.6(ALAD):c.468G>A (p.Ala156=)

Gene: ALAD (aminolevulinate dehydratase; minus strand). Cytogenetic location: 9q32.
Variant type: single nucleotide variant.
Coding change: c.468G>A on transcript NM_000031.6 (MANE Select); coding-DNA position 468, G replaced by A.
Protein change: p.Ala156=; no amino-acid change (alanine 156 retained).
Molecular consequence: synonymous variant.
Genome position (GRCh38, 1-based): chr9:113,390,606, C>T on the plus strand (G>A on the coding strand, the complement: ALAD is on the minus strand). VCF-style: chr9-113390606-C-T. GRCh37 (hg19) VCF-style: chr9-116152886-C-T.
Other names: p.Ala156=; c.555G>A, p.Ala185= (NM_001003945.3); c.444G>A, p.Ala148= (NM_001317745.2).
Identifiers: ClinVar variation 726324 (VCV000726324.43), dbSNP rs41305619, ClinGen allele CA5196481.